The following is an entry in ClinVar:

NM_000268.4(NF2):c.1047T>C (p.Ala349=)

Gene: NF2 (NF2, moesin-ezrin-radixin like (MERLIN) tumor suppressor; plus strand). Cytogenetic location: 22q12.2.
Variant type: single nucleotide variant.
Coding change: c.1047T>C on transcript NM_000268.4 (MANE Select); coding-DNA position 1047, T replaced by C.
Protein change: p.Ala349=; no amino-acid change (alanine 349 retained).
Molecular consequence: synonymous variant. On other transcripts: intron variant (1).
Genome position (GRCh38, 1-based): chr22:29,671,873, T>C. VCF-style: chr22-29671873-T-C. GRCh37 (hg19) VCF-style: chr22-30067862-T-C.
Other names: c.933T>C, p.Ala311= (NM_001407053.1, NM_001407056.1); c.924T>C, p.Ala308= (NM_001407054.1, NM_001407058.1, NM_181829.3); c.921T>C, p.Ala307= (NM_001407055.1, NM_181828.3); c.912T>C, p.Ala304= (NM_001407057.1, NM_001407059.1); c.1047T>C, p.Ala349= (NM_001407060.1, NM_001407066.1, NM_016418.5 and 2 more transcripts); c.789T>C, p.Ala263= (NM_001407062.1); c.798T>C, p.Ala266= (NM_001407063.1, NM_001407064.1, NM_181830.3 and 1 more transcripts); c.513T>C, p.Ala171= (NM_001407065.1); and 2 more.
Identifiers: ClinVar variation 4085800 (VCV004085800.8).
Genomic context (GRCh38, chr22:29,671,873, plus strand): 5'-TCACCCCTCGCAGATGGAGCGGCAGCGCCTCGCTCGAGAGAAGCAGATGAGGGAGGAGGC[T>C]GAACGCACGAGGGATGAGTTGGAGAGGAGGCTGCTGCAGATGAAAGAAGAAGCAACAATG-3'
Protein context (NP_000259.1, residues 339-359): LAREKQMREE[Ala349=]ERTRDELERR

ClinVar aggregate classification (germline): Likely benign (1 of 4 stars; one submission).

gnomAD v4.1: 1 of 1,613,952 alleles (0.000062%); highest among the groups gnomAD compares: Non-Finnish European, 0.000085%; no homozygotes.

Submission:

CeGaT Center for Human Genetics Tuebingen
Classification: Likely benign. Last evaluated: 2025-08-01. Review status: criteria provided, single submitter. Criteria: CeGaT Center For Human Genetics Tuebingen Variant Classification Criteria Version 2. Collection method: clinical testing. Allele origin: germline. Affected: yes. Observed: 1 variant allele.
Comment: NF2: BP4, BP7